The following is an entry in ClinVar:

NM_000138.5(FBN1):c.929G>C (p.Ser310Thr)

Gene: FBN1 (fibrillin 1; minus strand). Cytogenetic location: 15q21.1.
Variant type: single nucleotide variant.
Coding change: c.929G>C on transcript NM_000138.5 (MANE Select); coding-DNA position 929, G replaced by C.
Protein change: p.Ser310Thr; replaces serine 310 with threonine.
Molecular consequence: missense variant.
Genome position (GRCh38, 1-based): chr15:48,526,189, C>G on the plus strand (G>C on the coding strand, the complement: FBN1 is on the minus strand). VCF-style: chr15-48526189-C-G. GRCh37 (hg19) VCF-style: chr15-48818386-C-G.
Other names: c.929G>C, p.Ser310Thr (NM_001406716.1); short protein forms S310T.
Identifiers: ClinVar variation 2939932 (VCV002939932.3), dbSNP rs2043912422, ClinGen allele CA392350054.
Genomic context (GRCh38, chr15:48,526,189, plus strand): 5'-CCTATGCATCTGGTACCATCTGGAGAGGTGTAAAAACCAGGGGGACATTTGCAAAAGTAA[C>G]TGCTGACTGTGTTTGTACATTCACCCCCTTCACAGATTCCAGGAATGGTGCTGCATTCAT-3'
Protein context (NP_000129.3, residues 300-320): EGGECTNTVS[Ser310Thr]YFCKCPPGFY

ClinVar aggregate classification (germline): Uncertain significance (1 of 4 stars; one submission).

Conditions:
Marfan syndrome (MFS). Also called: MARFAN SYNDROME, TYPE I; Marfan syndrome type 1; Marfan's syndrome; Marfan syndrome, classic; FBN1-Related Marfan Syndrome. Identifiers: Orphanet 284963, Orphanet 558, MedGen C0024796, MONDO:0007947, OMIM 154700.
Familial thoracic aortic aneurysm and aortic dissection (TAAD). Also called: Thoracic aortic aneurysms and dissections. Identifiers: Orphanet 91387, MedGen C4707243, MONDO:0019625.

Submission:

Labcorp Genetics (formerly Invitae), Labcorp
Classification: Uncertain significance for Marfan syndrome; Familial thoracic aortic aneurysm and aortic dissection. Last evaluated: 2023-06-14. Review status: criteria provided, single submitter. Criteria: Invitae Variant Classification Sherloc (09022015). Collection method: clinical testing. Allele origin: germline.
Comment: In summary, the available evidence is currently insufficient to determine the role of this variant in disease. Therefore, it has been classified as a Variant of Uncertain Significance. Advanced modeling of protein sequence and biophysical properties (such as structural, functional, and spatial information, amino acid conservation, physicochemical variation, residue mobility, and thermodynamic stability) performed at Invitae indicates that this missense variant is expected to disrupt FBN1 protein function. This variant has not been reported in the literature in individuals affected with FBN1-related conditions. This variant is not present in population databases (gnomAD no frequency). This sequence change replaces serine, which is neutral and polar, with threonine, which is neutral and polar, at codon 310 of the FBN1 protein (p.Ser310Thr).